The following is an entry in ClinVar:

ClinVar aggregate classification (germline): Likely benign. Review status: criteria provided, multiple submitters, no conflicts (2 of 4 stars). 2 submissions from 2 submitters: Likely benign (2). Last evaluated 2026-08-01.

Allele frequency attached by ClinVar (database versions not stated): gnomAD exomes 0.00010 and 0.00042; ExAC 0.00015; 1000 Genomes Project 30x 0.00016; 1000 Genomes Project 0.00020; gnomAD 0.00020 and 0.00023; TOPMed 0.00021; ESP Exome Variant Server 0.00038.
gnomAD v4.1: 677 of 1,614,074 alleles (0.042%); highest among the groups gnomAD compares: Non-Finnish European, 0.052%; no homozygotes.

Submissions (2):

CeGaT Center for Human Genetics Tuebingen
Classification: Likely benign. Last evaluated: 2026-08-01. Review status: criteria provided, single submitter. Criteria: CeGaT Center For Human Genetics Tuebingen Variant Classification Criteria Version 2. Collection method: clinical testing. Allele origin: germline. Affected: yes. Observed: 2 variant alleles.
Comment: GRM7: BP4, BP7

Labcorp Genetics (formerly Invitae), Labcorp
Classification: Likely benign. Last evaluated: 2023-12-27. Review status: criteria provided, single submitter. Criteria: Invitae Variant Classification Sherloc (09022015). Collection method: clinical testing. Allele origin: germline.

NM_000844.4(GRM7):c.1794A>T (p.Ala598=)

Gene: GRM7 (glutamate metabotropic receptor 7; plus strand). Cytogenetic location: 3p26.1.
Variant type: single nucleotide variant.
Coding change: c.1794A>T on transcript NM_000844.4 (MANE Select); coding-DNA position 1794, A replaced by T.
Protein change: p.Ala598=; no amino-acid change (alanine 598 retained).
Molecular consequence: synonymous variant.
Genome position (GRCh38, 1-based): chr3:7,578,700, A>T. VCF-style: chr3-7578700-A-T. GRCh37 (hg19) VCF-style: chr3-7620387-A-T.
Other names: c.1794A>T, p.Ala598= (NM_181874.3).
Identifiers: ClinVar variation 736270 (VCV000736270.29), dbSNP rs200678079, ClinGen allele CA2234987.